The following is an entry in ClinVar:

NM_012062.5(DNM1L):c.622C>T (p.Arg208Cys)

Gene: DNM1L (dynamin 1 like; plus strand). Cytogenetic location: 12p11.21.
Variant type: single nucleotide variant.
Coding change: c.622C>T on transcript NM_012062.5 (MANE Select); coding-DNA position 622, C replaced by T.
Protein change: p.Arg208Cys; replaces arginine 208 with cysteine.
Molecular consequence: missense variant. On other transcripts: intron variant (1).
Genome position (GRCh38, 1-based): chr12:32,718,645, C>T. VCF-style: chr12-32718645-C-T. GRCh37 (hg19) VCF-style: chr12-32871579-C-T.
Other names: c.622C>T, p.Arg208Cys (NM_001278463.2, NM_005690.5, NM_012063.4); c.661C>T, p.Arg221Cys (NM_001278464.2, NM_001278465.2, NM_001330380.2); c.132-2019C>T (NM_001278466.2); short protein forms R208C, R221C.
Identifiers: ClinVar variation 2764429 (VCV002764429.3), dbSNP rs1217689913, ClinGen allele CA384368781.

ClinVar aggregate classification (germline): Uncertain significance (1 of 4 stars; one submission).

Allele frequency attached by ClinVar (database versions not stated): TOPMed 0.00001.

Submission:

Labcorp Genetics (formerly Invitae), Labcorp
Classification: Uncertain significance. Last evaluated: 2024-05-02. Review status: criteria provided, single submitter. Criteria: Invitae Variant Classification Sherloc (09022015). Collection method: clinical testing. Allele origin: germline.
Comment: This sequence change replaces arginine, which is basic and polar, with cysteine, which is neutral and slightly polar, at codon 208 of the DNM1L protein (p.Arg208Cys). This variant is not present in population databases (gnomAD no frequency). This variant has not been reported in the literature in individuals affected with DNM1L-related conditions. An algorithm developed to predict the effect of missense changes on protein structure and function (PolyPhen-2) suggests that this variant is likely to be tolerated. In summary, the available evidence is currently insufficient to determine the role of this variant in disease. Therefore, it has been classified as a Variant of Uncertain Significance.